The following is an entry in ClinVar:

ClinVar aggregate classification (germline): Benign/Likely benign. Review status: criteria provided, multiple submitters, no conflicts (2 of 4 stars). 3 submissions from 3 submitters: Benign (2); Likely benign (1). Last evaluated 2025-03-04.

Allele frequency attached by ClinVar (database versions not stated): gnomAD 0.01329 and 0.01415; 1000 Genomes Project 0.00679; TOPMed 0.01297; 1000 Genomes Project 30x 0.00671.

Submissions (3):

Center for Genomic Medicine, Rigshospitalet, Copenhagen University Hospital
Classification: Benign. Last evaluated: 2025-03-04. Review status: criteria provided, single submitter. Criteria: ACMG Guidelines, 2015. Collection method: clinical testing. Allele origin: germline.

Blueprint Genetics
Classification: Likely benign. Last evaluated: 2024-11-26. Review status: criteria provided, single submitter. Criteria: ACMG Guidelines, 2015. Collection method: clinical testing. Allele origin: germline.

GeneDx
Classification: Benign. Last evaluated: 2017-10-09. Review status: criteria provided, single submitter. Criteria: GeneDx Variant Classification (06012015). Collection method: clinical testing. Allele origin: germline. Affected: yes.
Comment: This variant is considered likely benign or benign based on one or more of the following criteria: it is a conservative change, it occurs at a poorly conserved position in the protein, it is predicted to be benign by multiple in silico algorithms, and/or has population frequency not consistent with disease.

NM_001354897.2(APC):c.-416A>G

Gene: APC (APC regulator of Wnt signaling pathway; plus strand). Cytogenetic location: 5q22.2.
Variant type: single nucleotide variant.
Coding change: c.-416A>G on transcript NM_001354897.2; 416 bases upstream of the start codon, A replaced by G.
Genome position (GRCh38, 1-based): chr5:112,707,302, A>G. VCF-style: chr5-112707302-A-G. GRCh37 (hg19) VCF-style: chr5-112042999-A-G.
Identifiers: ClinVar variation 506394 (VCV000506394.5), dbSNP rs116505416, ClinGen allele CA11978063.